The following is an entry in ClinVar:

NM_033109.5(PNPT1):c.2072A>C (p.Asp691Ala)

Gene: PNPT1 (polyribonucleotide nucleotidyltransferase 1; minus strand). Cytogenetic location: 2p16.1.
Variant type: single nucleotide variant.
Coding change: c.2072A>C on transcript NM_033109.5 (MANE Select); coding-DNA position 2072, A replaced by C.
Protein change: p.Asp691Ala; replaces aspartic acid 691 with alanine.
Molecular consequence: missense variant.
Genome position (GRCh38, 1-based): chr2:55,640,703, T>G on the plus strand (A>C on the coding strand, the complement: PNPT1 is on the minus strand). VCF-style: chr2-55640703-T-G. GRCh37 (hg19) VCF-style: chr2-55867838-T-G.
Other names: short protein forms D691A.
Identifiers: ClinVar variation 2060549 (VCV002060549.4), dbSNP rs2529468836, ClinGen allele CA346923703.

ClinVar aggregate classification (germline): Uncertain significance (1 of 4 stars; one submission).

Submission:

Labcorp Genetics (formerly Invitae), Labcorp
Classification: Uncertain significance. Last evaluated: 2022-08-23. Review status: criteria provided, single submitter. Criteria: Invitae Variant Classification Sherloc (09022015). Collection method: clinical testing. Allele origin: germline.
Comment: This variant is not present in population databases (gnomAD no frequency). In summary, the available evidence is currently insufficient to determine the role of this variant in disease. Therefore, it has been classified as a Variant of Uncertain Significance. Algorithms developed to predict the effect of missense changes on protein structure and function are either unavailable or do not agree on the potential impact of this missense change (SIFT: "Tolerated"; PolyPhen-2: "Possibly Damaging"; Align-GVGD: "Class C0"). This variant has not been reported in the literature in individuals affected with PNPT1-related conditions. This sequence change replaces aspartic acid, which is acidic and polar, with alanine, which is neutral and non-polar, at codon 691 of the PNPT1 protein (p.Asp691Ala).